The following is an entry in ClinVar:

ClinVar aggregate classification (germline): Likely pathogenic (1 of 4 stars; one submission).

Conditions:
Troyer syndrome (SPG20). Identifiers: Orphanet 101000, MedGen C0393559, MONDO:0010156, OMIM 275900.

Submission:

3billion
Classification: Likely pathogenic for Troyer syndrome. Last evaluated: 2022-01-03. Review status: criteria provided, single submitter. Criteria: ACMG Guidelines, 2015. Collection method: clinical testing. Allele origin: germline. Affected: yes. Observed: 1 homozygote.
Comment: Stop-gained (nonsense): predicted to result in a loss or disruption of normal protein function through nonsense-mediated decay (NMD) or protein truncation. Multiple pathogenic variants are reported downstream of the variant (PVS1_VS). It is not observed in the gnomAD v2.1.1 dataset (PM2_M). Therefore, this variant is classified as likely pathogenic according to the recommendation of ACMG/AMP guideline.

NM_015087.5(SPART):c.592G>T (p.Gly198Ter)

Gene: SPART (spartin; minus strand). Cytogenetic location: 13q13.3.
Variant type: single nucleotide variant.
Coding change: c.592G>T on transcript NM_015087.5 (MANE Select); coding-DNA position 592, G replaced by T.
Protein change: p.Gly198Ter; replaces glycine 198 with a stop codon.
Molecular consequence: nonsense.
Genome position (GRCh38, 1-based): chr13:36,335,239, C>A on the plus strand (G>T on the coding strand, the complement: SPART is on the minus strand). VCF-style: chr13-36335239-C-A. GRCh37 (hg19) VCF-style: chr13-36909376-C-A.
Other names: c.592G>T, p.Gly198Ter (NM_001142294.2, NM_001142295.2, NM_001142296.2); short protein forms G198*.
Identifiers: ClinVar variation 1333334 (VCV001333334.1), dbSNP rs2137548824, ClinGen allele CA387863052.